The following is an entry in ClinVar:

NM_000465.4(BARD1):c.917del (p.Asn306fs)

Gene: BARD1 (BRCA1 associated RING domain 1; minus strand). Cytogenetic location: 2q35.
Variant type: Deletion.
Coding change: c.917del on transcript NM_000465.4 (MANE Select); coding-DNA position 917, one base deleted (A; older notation c.917delA).
Protein change: p.Asn306fs; shifts the reading frame from asparagine 306.
Molecular consequence: frameshift variant. On other transcripts: non-coding transcript variant (2), intron variant (3).
Genome position (GRCh38, 1-based): chr2:214,780,957, T deleted on the plus strand (A on the coding strand, the reverse complement: BARD1 is on the minus strand); the first of 5 consecutive T bases (chr2:214,780,957-214,780,961); deleting any one gives the same sequence. VCF-style (leftmost placement, unchanged base first): chr2-214780956-AT-A. GRCh37 (hg19) VCF-style: chr2-215645680-AT-A.
Other names: c.860del, p.Asn287fs (NM_001282543.2); c.159-28402del (NM_001282548.2); c.215+16104del (NM_001282545.2); c.364+11340del (NM_001282549.2); short protein forms N287fs, N306fs.
Identifiers: ClinVar variation 5019109 (VCV005019109.2).
Genomic context (GRCh38, chr2:214,780,956, plus strand): 5'-ATTGTGATGGCCACGTTTTCCATTATTTTCTAATGGCAAAGATTTCTTAGATGTAAGATA[AT>A]TTTTGCAGACCTTCTCAGGAGTCACTACTTCATTCCTGCTCTTAGTGTCTGGAGACTCTA-3'

ClinVar aggregate classification (germline): Likely pathogenic (1 of 4 stars; one submission).

Conditions:
Familial cancer of breast. Also called: hereditary breast carcinoma; Hereditary breast cancer; BREAST CANCER, FAMILIAL. Identifiers: Orphanet 227535, MedGen C0346153, MONDO:0016419, OMIM 114480. Disease mechanism: loss of function.

Submission:

Juno Genomics, Hangzhou Juno Genomics, Inc
Classification: Likely pathogenic for Familial cancer of breast. Review status: criteria provided, single submitter. Criteria: ACMG Guidelines, 2015. Collection method: clinical testing. Allele origin: germline.
Comment: Absent from controls (or at extremely low frequency if recessive) in Genome Aggregation Database.;Null variant in a gene where loss of function (LOF) is a known mechanism of disease.